The following is an entry in ClinVar:

ClinVar aggregate classification (germline): Uncertain significance (1 of 4 stars; one submission).

Submission:

Greenwood Genetic Center Diagnostic Laboratories, Greenwood Genetic Center
Classification: Uncertain significance. Last evaluated: 2026-04-21. Review status: criteria provided, single submitter. Criteria: ACMG Guidelines, 2015. Collection method: clinical testing. Allele origin: germline.
Comment: PM2, BP4, PP2

NM_001330288.2(SMARCC2):c.2632A>G (p.Thr878Ala)

Gene: SMARCC2 (SWI/SNF related BAF chromatin remodeling complex subunit C2; minus strand). Cytogenetic location: 12q13.2.
Variant type: single nucleotide variant.
Coding change: c.2632A>G on transcript NM_001330288.2 (MANE Select); coding-DNA position 2632, A replaced by G.
Protein change: p.Thr878Ala; replaces threonine 878 with alanine.
Molecular consequence: missense variant.
Genome position (GRCh38, 1-based): chr12:56,169,612, T>C on the plus strand (A>G on the coding strand, the complement: SMARCC2 is on the minus strand). VCF-style: chr12-56169612-T-C. GRCh37 (hg19) VCF-style: chr12-56563396-T-C.
Other names: c.2632A>G, p.Thr878Ala (NM_001130420.3, NM_139067.4); c.2539A>G, p.Thr847Ala (NM_003075.5); short protein forms T847A, T878A.
Identifiers: ClinVar variation 4891023 (VCV004891023.1).
Genomic context (GRCh38, chr12:56,169,612, plus strand): 5'-CCAGGGCGGCGGCAGCAGCGGTGGAGAGGTTGCCCTCGCCAATGTCCCGCTCCACCTTTG[T>C]CTTCCTTTCCCCCTCAGACTCCACCACTTCCTTCAGCACTTCCTCCTGCCCTTCCTTTGG-3'
Protein context (NP_001317217.1, residues 868-888): EVVESEGERK[Thr878Ala]KVERDIGEGN